The following is an entry in ClinVar:

NM_001035.3(RYR2):c.9806A>G (p.Asn3269Ser)

Gene: RYR2 (ryanodine receptor 2; plus strand). Cytogenetic location: 1q43.
Variant type: single nucleotide variant.
Coding change: c.9806A>G on transcript NM_001035.3 (MANE Select); coding-DNA position 9806, A replaced by G.
Protein change: p.Asn3269Ser; replaces asparagine 3269 with serine.
Molecular consequence: missense variant.
Genome position (GRCh38, 1-based): chr1:237,707,174, A>G. VCF-style: chr1-237707174-A-G. GRCh37 (hg19) VCF-style: chr1-237870474-A-G.
Other names: short protein forms N3269S.
Identifiers: ClinVar variation 4757212 (VCV004757212.1).
Genomic context (GRCh38, chr1:237,707,174, plus strand): 5'-GGTGGGAGCATGGACCTGAGAACAATCCAGAACGGGCCGAGATGTGCTGCACAGCCCTGA[A>G]CTCAGAGCACATGAACACACTTCTAGGGAACATATTGAAAATCATATATAATAACTTGGG-3'
Protein context (NP_001026.2, residues 3259-3279): ERAEMCCTAL[Asn3269Ser]SEHMNTLLGN

ClinVar aggregate classification (germline): Uncertain significance (1 of 4 stars; one submission).

Conditions:
Cardiomyopathy (CMYO). Also called: Cardiomyopathies. Identifiers: Orphanet 167848, MedGen C0878544, MONDO:0004994, HP:0001638. Inheritance: Various modes of inheritance.

gnomAD v4.1: 1 of 1,613,186 alleles (0.000062%); highest among the groups gnomAD compares: South Asian, 0.0011%; no homozygotes.

Submission:

Color Diagnostics, LLC DBA Color Health
Classification: Uncertain significance for Cardiomyopathy. Last evaluated: 2025-06-09. Review status: criteria provided, single submitter. Criteria: ACMG Guidelines, 2015. Collection method: clinical testing. Allele origin: germline.
Comment: This missense variant replaces asparagine with serine at codon 3269 of the RYR2 protein. Computational prediction suggests that this variant may not impact protein structure and function. To our knowledge, functional studies have not been reported for this variant. This variant has not been reported in individuals affected with RYR2-related disorders in the literature. This variant has not been identified in the general population by the Genome Aggregation Database (gnomAD). The available evidence is insufficient to determine the role of this variant in disease conclusively. Therefore, this variant is classified as a Variant of Uncertain Significance.